The following is an entry in ClinVar:

NM_015488.5(PNKD):c.1150A>T (p.Ser384Cys)

Genes: CATIP-AS2 (CATIP antisense RNA 2; minus strand), PNKD (PNKD metallo-beta-lactamase domain containing; plus strand). Cytogenetic location: 2q35.
Variant type: single nucleotide variant.
Coding change: c.1150A>T on transcript NM_015488.5 (MANE Select); coding-DNA position 1150, A replaced by T.
Protein change: p.Ser384Cys; replaces serine 384 with cysteine.
Molecular consequence: missense variant.
Genome position (GRCh38, 1-based): chr2:218,344,973, A>T. VCF-style: chr2-218344973-A-T. GRCh37 (hg19) VCF-style: chr2-219209696-A-T.
Other names: c.1078A>T, p.Ser360Cys (NM_022572.5); short protein forms S360C, S384C.
Identifiers: ClinVar variation 964497 (VCV000964497.9), dbSNP rs765841531, ClinGen allele CA2104221.

ClinVar aggregate classification (germline): Uncertain significance (1 of 4 stars; one submission).

Conditions:
Paroxysmal nonkinesigenic dyskinesia. Also called: Paroxysmal non-kinesigenic dyskinesia. Identifiers: Orphanet 98810, MedGen C1869117, MONDO:0700088.

Allele frequency attached by ClinVar (database versions not stated): gnomAD exomes below 0.00001; ExAC 0.00001.
gnomAD v4.1: 2 of 1,612,700 alleles (0.00012%); highest among the groups gnomAD compares: Admixed American, 0.0033%; no homozygotes.

Submission:

Labcorp Genetics (formerly Invitae), Labcorp
Classification: Uncertain significance for Paroxysmal nonkinesigenic dyskinesia. Last evaluated: 2025-05-11. Review status: criteria provided, single submitter. Criteria: Invitae Variant Classification Sherloc (09022015). Collection method: clinical testing. Allele origin: germline.
Comment: This sequence change replaces serine, which is neutral and polar, with cysteine, which is neutral and slightly polar, at codon 384 of the PNKD protein (p.Ser384Cys). This variant is present in population databases (rs765841531, gnomAD 0.003%). This variant has not been reported in the literature in individuals affected with PNKD-related conditions. ClinVar contains an entry for this variant (Variation ID: 964497). An algorithm developed to predict the effect of missense changes on protein structure and function (PolyPhen-2) suggests that this variant is likely to be tolerated. In summary, the available evidence is currently insufficient to determine the role of this variant in disease. Therefore, it has been classified as a Variant of Uncertain Significance.